The following is an entry in ClinVar:

ClinVar aggregate classification (germline): Uncertain significance. Review status: criteria provided, multiple submitters, no conflicts (2 of 4 stars). 2 submissions from 2 submitters: Uncertain significance (2). Last evaluated 2025-12-11.

Conditions:
Hereditary spastic paraplegia 11. Also called: SPASTIC PARAPLEGIA, AUTOSOMAL RECESSIVE, COMPLICATED, WITH THIN CORPUS CALLOSUM; SPASTIC PARAPLEGIA, AUTOSOMAL RECESSIVE, WITH MENTAL IMPAIRMENT AND THIN CORPUS CALLOSUM; Spastic paraplegia, mental retardation and thin corpus callosum; Nakamura Osame syndrome; Autosomal recessive hereditary spastic paraplegia, mental impairment, and thin corpus callosum; Spastic Paraplegia 11. Identifiers: Orphanet 2822, MedGen C1858479, MONDO:0011445, OMIM 604360.
Inborn genetic diseases. Identifiers: MedGen C0950123, MeSH D030342.

Allele frequency attached by ClinVar (database versions not stated): gnomAD 0.00001.
gnomAD v4.1: 1 of 1,613,690 alleles (0.000062%); highest among the groups gnomAD compares: African/African-American, 0.0013%; no homozygotes.

Submissions (2):

Ambry Genetics
Classification: Uncertain significance for Inborn genetic diseases. Last evaluated: 2025-12-11. Review status: criteria provided, single submitter. Criteria: Ambry Variant Classification Scheme 2023. Collection method: clinical testing. Allele origin: germline.

Labcorp Genetics (formerly Invitae), Labcorp
Classification: Uncertain significance for Hereditary spastic paraplegia 11. Last evaluated: 2019-05-10. Review status: criteria provided, single submitter. Criteria: Invitae Variant Classification Sherloc (09022015). Collection method: clinical testing. Allele origin: germline.
Comment: In summary, the available evidence is currently insufficient to determine the role of this variant in disease. Therefore, it has been classified as a Variant of Uncertain Significance. Algorithms developed to predict the effect of missense changes on protein structure and function output the following: SIFT: "Tolerated"; PolyPhen-2: "Benign"; Align-GVGD: "Class C0". The leucine amino acid residue is found in multiple mammalian species, suggesting that this missense change does not adversely affect protein function. These predictions have not been confirmed by published functional studies and their clinical significance is uncertain. This variant has not been reported in the literature in individuals with SPG11-related conditions. This variant is not present in population databases (ExAC no frequency). This sequence change replaces phenylalanine with leucine at codon 824 of the SPG11 protein (p.Phe824Leu). The phenylalanine residue is moderately conserved and there is a small physicochemical difference between phenylalanine and leucine.

NM_025137.4(SPG11):c.2470T>C (p.Phe824Leu)

Gene: SPG11 (SPG11 vesicle trafficking associated, spatacsin; minus strand). Cytogenetic location: 15q21.1.
Variant type: single nucleotide variant.
Coding change: c.2470T>C on transcript NM_025137.4 (MANE Select); coding-DNA position 2470, T replaced by C.
Protein change: p.Phe824Leu; replaces phenylalanine 824 with leucine.
Molecular consequence: missense variant.
Genome position (GRCh38, 1-based): chr15:44,621,909, A>G on the plus strand (T>C on the coding strand, the complement: SPG11 is on the minus strand). VCF-style: chr15-44621909-A-G. GRCh37 (hg19) VCF-style: chr15-44914107-A-G.
Other names: c.2470T>C, p.Phe824Leu (NM_001160227.2); short protein forms F824L.
Identifiers: ClinVar variation 936143 (VCV000936143.10), dbSNP rs1157197953, ClinGen allele CA392231734.
Genomic context (GRCh38, chr15:44,621,909, plus strand): 5'-TGTTAAATTCATCTTTACAATCATATTTCAGGAATGAGTCCAAAACAGACTTGTGCTTGA[A>G]AAAATCTTGTTCCTTTATCCAGTACCTAAAAACAGTGATATAAATTTTTTTTTTTTTAAT-3'
Protein context (NP_079413.3, residues 814-834): PRYWIKEQDF[Phe824Leu]KHKSVLDSFL